The following is an entry in ClinVar:

ClinVar aggregate classification (germline): Uncertain significance (1 of 4 stars; one submission).

Conditions:
DOCK2 deficiency. Also called: Immunodeficiency 40. Identifiers: Orphanet 447737, MedGen C4225328, MONDO:0014637, OMIM 616433.

Allele frequency attached by ClinVar (database versions not stated): gnomAD exomes below 0.00001.

Submission:

Labcorp Genetics (formerly Invitae), Labcorp
Classification: Uncertain significance for DOCK2 deficiency. Last evaluated: 2021-05-29. Review status: criteria provided, single submitter. Criteria: Invitae Variant Classification Sherloc (09022015). Collection method: clinical testing. Allele origin: germline.
Comment: In summary, the available evidence is currently insufficient to determine the role of this variant in disease. Therefore, it has been classified as a Variant of Uncertain Significance. Algorithms developed to predict the effect of missense changes on protein structure and function (SIFT, PolyPhen-2, Align-GVGD) all suggest that this variant is likely to be tolerated, but these predictions have not been confirmed by published functional studies and their clinical significance is uncertain. This sequence change replaces methionine with valine at codon 1651 of the DOCK2 protein (p.Met1651Val). The methionine residue is weakly conserved and there is a small physicochemical difference between methionine and valine. This variant is not present in population databases (ExAC no frequency). This variant has not been reported in the literature in individuals with DOCK2-related conditions.

NM_004946.3(DOCK2):c.4951A>G (p.Met1651Val)

Gene: DOCK2 (dedicator of cytokinesis 2; plus strand). Cytogenetic location: 5q35.1.
Variant type: single nucleotide variant.
Coding change: c.4951A>G on transcript NM_004946.3 (MANE Select); coding-DNA position 4951, A replaced by G.
Protein change: p.Met1651Val; replaces methionine 1651 with valine.
Molecular consequence: missense variant. On other transcripts: non-coding transcript variant (1).
Genome position (GRCh38, 1-based): chr5:170,077,794, A>G. VCF-style: chr5-170077794-A-G. GRCh37 (hg19) VCF-style: chr5-169504798-A-G.
Other names: short protein forms M1651V.
Identifiers: ClinVar variation 1445256 (VCV001445256.8), dbSNP rs1330775226, ClinGen allele CA362115777.